The following is an entry in ClinVar:

ClinVar aggregate classification (germline): Pathogenic (1 of 4 stars; one submission).

Submission:

Quest Diagnostics Nichols Institute San Juan Capistrano
Classification: Pathogenic. Last evaluated: 2021-07-17. Review status: criteria provided, single submitter. Criteria: ACMG/ClinGen CNV Guidelines, 2019. Collection method: clinical testing. Allele origin: unknown.
Comment: This genomic gain of 22q11.21 (the proximal chromosome 22q11.21 duplication; LCR22A-D) is associated with chromosome 22q11.2 duplication syndrome (OMIM 608363). The phenotype exhibits variable expressivity and reduced penetrance as it can range from apparently normal to learning/intellectual disability, autism, growth restriction, dysmorphic features, hypotonia congenital anomalies to overlapping features with DiGeorge/velocardiofacial syndromes (Nguyen et al. Clin Case Rep. 2017 Feb 11;5(3):351-356. PMID: 28265405; Wenger et al. Mol Autism. 2016 May 6;7:27. PMID: 27158440; Van Camperhout et al. 2012. Genet. Couns. 23:135-148; PMID: 22876571; Gene Reviews).

GRCh37/hg19 22q11.21(chr22:18916843-21804563)x3

Genes: AIFM3 (AIF family member 3; plus strand), ARVCF (ARVCF delta catenin family member; minus strand), C22orf39 (chromosome 22 open reading frame 39; minus strand), CDC45 (cell division cycle 45; plus strand), CLDN5 (claudin 5; minus strand) and 44 more. Cytogenetic location: 22q11.21.
Variant type: copy number gain.
Change: copy number 3 (three copies instead of two) of chr22:18,916,843-21,804,563 (2.89 Mb, GRCh37 coordinates, 1-based), cytogenetic band 22q11.21.
Identifiers: ClinVar variation 1807719 (VCV001807719.1).